The following is an entry in ClinVar:

ClinVar aggregate classification (germline): Pathogenic. Review status: criteria provided, multiple submitters, no conflicts (2 of 4 stars). 5 submissions from 5 submitters: Pathogenic (5). Last evaluated 2025-11-11.

Conditions:
Familial hypobetalipoproteinemia 1. Also called: APOB-Related Familial Hypobetalipoproteinemia; Hypobetalipoproteinemia, normotriglyceridemic; Acanthocytosis with hypobetalipoproteinemia. Identifiers: MedGen C4551990, MONDO:0014252, OMIM 615558.
Hypercholesterolemia, autosomal dominant, type B (FHCL2). Also called: APOB-Related Familial Hypercholesterolemia, Autosomal Dominant; HYPERCHOLESTEROLEMIA, FAMILIAL, DUE TO LIGAND-DEFECTIVE APOLIPOPROTEIN B; Hyperlipoproteinemia Type IIb; Familial Hypercholesterolemia Type B; APOLIPOPROTEIN B-100, FAMILIAL DEFECTIVE; APOLIPOPROTEIN B-100, FAMILIAL LIGAND-DEFECTIVE. Identifiers: MedGen C1704417, MONDO:0007751, OMIM 144010.
Cardiovascular phenotype. Identifiers: MedGen CN230736.

Allele frequency attached by ClinVar (database versions not stated): gnomAD 0.00001; gnomAD exomes 0.00001; TOPMed 0.00001; ExAC 0.00002; ESP Exome Variant Server 0.00015.
gnomAD v4.1: 57 of 1,613,780 alleles (0.0035%); highest among the groups gnomAD compares: Non-Finnish European, 0.0047%; no homozygotes.

Submissions (5):

Labcorp Genetics (formerly Invitae), Labcorp
Classification: Pathogenic for Familial hypobetalipoproteinemia 1; Hypercholesterolemia, autosomal dominant, type B. Last evaluated: 2025-11-11. Review status: criteria provided, single submitter. Criteria: Invitae Variant Classification Sherloc (09022015). Collection method: clinical testing. Allele origin: germline.
Comment: This sequence change creates a premature translational stop signal (p.Arg439*) in the APOB gene. It is expected to result in an absent or disrupted protein product. Loss-of-function variants in APOB are known to be pathogenic (PMID: 20032471). This variant is present in population databases (rs142066904, gnomAD 0.003%). This premature translational stop signal has been observed in individual(s) with hypobetalipoproteinemia (PMID: 12124991, 24507775, 28733173, 30782561). This variant is also known as 1443C>T, R412X. ClinVar contains an entry for this variant (Variation ID: 1323322). For these reasons, this variant has been classified as Pathogenic.

Quest Diagnostics Nichols Institute San Juan Capistrano
Classification: Pathogenic. Last evaluated: 2025-10-01. Review status: criteria provided, single submitter. Criteria: Quest Diagnostics criteria. Collection method: clinical testing. Allele origin: unknown.
Comment: The APOB c.1315C>T (p.Arg439*) variant (also known as c.1443C>T, p.Arg412*) causes the premature termination of APOB protein synthesis. This variant has been reported in the published literature in individuals with familial hypobetalipoproteinemia (PMID: 30782561 (2019), 28733173 (2017), 15805152 (2005), 12124991 (2002)). The frequency of this variant in the general population (Genome Aggregation Database) is consistent with pathogenicity. Based on the available information, this variant is classified as pathogenic.

GeneDx
Classification: Pathogenic. Last evaluated: 2024-04-08. Review status: criteria provided, single submitter. Criteria: GeneDx Variant Classification Process June 2021. Collection method: clinical testing. Allele origin: germline. Affected: yes.
Comment: Not observed at significant frequency in large population cohorts (gnomAD); Identified in the heterozygous state patients with familial hypobetalipoproteinemia in the published literature (PMID: 12124991, 28733173, 30782561); Identified in an individual with low LDL cholesterol in published literature (PMID: 24507775); Also known as R412*; Nonsense variant predicted to result in protein truncation or nonsense mediated decay in a gene for which loss of function is a known mechanism of disease; This variant is associated with the following publications: (PMID: 34662886, 25525159, 31980526, 12124991, 30782561, 28733173, 24507775)

Fulgent Genetics
Classification: Pathogenic for Hypercholesterolemia, autosomal dominant, type B; Familial hypobetalipoproteinemia 1. Last evaluated: 2021-10-22. Review status: criteria provided, single submitter. Criteria: ACMG Guidelines, 2015. Collection method: clinical testing. Allele origin: unknown.

Ambry Genetics
Classification: Pathogenic for Cardiovascular phenotype. Last evaluated: 2019-12-10. Review status: criteria provided, single submitter. Criteria: Ambry Variant Classification Scheme 2023. Collection method: clinical testing. Allele origin: germline.
Comment: The p.R439* pathogenic mutation (also known as c.1315C>T), located in coding exon 10 of the APOB gene, results from a C to T substitution at nucleotide position 1315. This changes the amino acid from an arginine to a stop codon within coding exon 10. This mutation (also described as p.R412*) has been detected in multiple individuals with familial hypobetalipoproteinemia and co-segregation has been reported in several affected family members (Huang LS et al. J. Lipid Res., 1991 Aug;32:1341-8; Yue P et al. Hum. Mutat., 2002 Aug;20:110-6; Lange LA et al. Am. J. Hum. Genet., 2014 Feb;94:233-45; Di Costanzo A et al. J Clin Lipidol Jun;11:1234-1242). In addition to the clinical data presented in the literature, this alteration is expected to result in loss of function by premature protein truncation or nonsense-mediated mRNA decay. As such, this alteration is interpreted as a disease-causing mutation.

Literature cited by the submitters: PubMed 20032471 (cited by Labcorp Genetics (formerly Invitae), Labcorp and Quest Diagnostics Nichols Institute San Juan Capistrano); PubMed 12124991 (cited by 3 submitters); PubMed 24507775 (cited by Labcorp Genetics (formerly Invitae), Labcorp and Ambry Genetics); PubMed 28733173 (cited by 3 submitters); PubMed 30782561 (cited by 3 submitters); PubMed 15805152 (cited by Quest Diagnostics Nichols Institute San Juan Capistrano); PubMed 1770316 (cited by Quest Diagnostics Nichols Institute San Juan Capistrano and Ambry Genetics).

NM_000384.3(APOB):c.1315C>T (p.Arg439Ter)

Gene: APOB (apolipoprotein B; minus strand). Cytogenetic location: 2p24.1.
Variant type: single nucleotide variant.
Coding change: c.1315C>T on transcript NM_000384.3 (MANE Select); coding-DNA position 1315, C replaced by T.
Protein change: p.Arg439Ter; replaces arginine 439 with a stop codon.
Molecular consequence: nonsense.
Genome position (GRCh38, 1-based): chr2:21,032,391, G>A on the plus strand (C>T on the coding strand, the complement: APOB is on the minus strand). VCF-style: chr2-21032391-G-A. GRCh37 (hg19) VCF-style: chr2-21255263-G-A.
Other names: short protein forms R439*.
Identifiers: ClinVar variation 1323322 (VCV001323322.10), dbSNP rs142066904, ClinGen allele CA052017.
Genomic context (GRCh38, chr2:21,032,391, plus strand): 5'-AGAAATACAGTGTGGAAACTCACTTGTTGACCGCGTGGCTCAGCGCATACAAGGTGGCTC[G>A]GCTGCGCTGATCCCTCGCCATGTTGAAGATCTCTCGCAGCTGCTGTGCTGAGGGCTCGGG-3'